The following is an entry in ClinVar:

ClinVar aggregate classification (germline): Uncertain significance (1 of 4 stars; one submission).

Conditions:
Emery-Dreifuss muscular dystrophy (EDMD). Also called: Scapuloperoneal syndrome, X-linked (formerly); Humeroperoneal neuromuscular disease, (formerly). Identifiers: Orphanet 261, MedGen C0410189, MONDO:0016830.

gnomAD v4.1: 1 of 1,563,084 alleles (0.000064%); highest among the groups gnomAD compares: African/African-American, 0.0013%; no homozygotes.

Submission:

Labcorp Genetics (formerly Invitae), Labcorp
Classification: Uncertain significance for Emery-Dreifuss muscular dystrophy. Last evaluated: 2025-12-26. Review status: criteria provided, single submitter. Criteria: Invitae Variant Classification Sherloc (09022015). Collection method: clinical testing. Allele origin: germline.
Comment: This sequence change replaces glutamic acid, which is acidic and polar, with glutamine, which is neutral and polar, at codon 37 of the SUN1 protein (p.Glu37Gln). This variant is not present in population databases (gnomAD no frequency). This variant has not been reported in the literature in individuals affected with SUN1-related conditions. An algorithm developed to predict the effect of missense changes on protein structure and function (PolyPhen-2) suggests that this variant is likely to be disruptive. In summary, the available evidence is currently insufficient to determine the role of this variant in disease. Therefore, it has been classified as a Variant of Uncertain Significance.

NM_001130965.3(SUN1):c.109G>C (p.Glu37Gln)

Gene: SUN1 (Sad1 and UNC84 domain containing 1; plus strand). Cytogenetic location: 7p22.3.
Variant type: single nucleotide variant.
Coding change: c.109G>C on transcript NM_001130965.3 (MANE Select); coding-DNA position 109, G replaced by C.
Protein change: p.Glu37Gln; replaces glutamic acid 37 with glutamine.
Molecular consequence: missense variant. On other transcripts: 5 prime UTR variant (29), non-coding transcript variant (3), intron variant (2).
Genome position (GRCh38, 1-based): chr7:838,829, G>C. VCF-style: chr7-838829-G-C. GRCh37 (hg19) VCF-style: chr7-878466-G-C.
Other names: c.109G>C, p.Glu37Gln (NM_001367678.1, NM_001367682.1, NM_001367683.1 and 34 more transcripts); c.-42G>C (NM_001367679.1, NM_001367680.1, NM_001367681.1 and 24 more transcripts); c.172G>C, p.Glu58Gln (NM_001171945.2); c.-349G>C (NM_001367635.1); c.328G>C, p.Glu110Gln (NM_001367651.1); c.-653G>C (NM_001367658.1); c.78-3117G>C (NM_001367695.1); c.-301-3117G>C (NM_001367639.1); short protein forms E110Q, E37Q, E58Q.
Identifiers: ClinVar variation 4754715 (VCV004754715.1).
Genomic context (GRCh38, chr7:838,829, plus strand): 5'-CTTACCTCTGATGAGCTTTTTCCTTCTAGTTCCAGCTATTCTTCAGATGCTCTGGATTTT[G>C]AGACGGAGCACAAATTGGACCCTGTATTTGATTCTCCACGGATGTCCCGCCGTAGTTTGC-3'
Protein context (NP_001124437.1, residues 27-47): SSYSSDALDF[Glu37Gln]TEHKLDPVFD